The following is an entry in ClinVar:

ClinVar aggregate classification (germline): Uncertain significance (1 of 4 stars; one submission).

Allele frequency attached by ClinVar (database versions not stated): gnomAD exomes below 0.00001; TOPMed 0.00001.
gnomAD v4.1: 2 of 1,194,776 alleles (0.00017%); highest among the groups gnomAD compares: Non-Finnish European, 0.00011%; no homozygotes.

Submission:

GeneDx
Classification: Uncertain significance. Last evaluated: 2022-06-16. Review status: criteria provided, single submitter. Criteria: GeneDx Variant Classification Process June 2021. Collection method: clinical testing. Allele origin: germline. Affected: yes.
Comment: Not observed at significant frequency in large population cohorts (gnomAD); In silico analysis supports that this missense variant does not alter protein structure/function; Has not been previously published as pathogenic or benign to our knowledge

NM_001110556.2(FLNA):c.64G>C (p.Asp22His)

Gene: FLNA (filamin A; minus strand). Cytogenetic location: Xq28.
Variant type: single nucleotide variant.
Coding change: c.64G>C on transcript NM_001110556.2 (MANE Select); coding-DNA position 64, G replaced by C.
Protein change: p.Asp22His; replaces aspartic acid 22 with histidine.
Molecular consequence: missense variant.
Genome position (GRCh38, 1-based): chrX:154,371,182, C>G on the plus strand (G>C on the coding strand, the complement: FLNA is on the minus strand). VCF-style: chrX-154371182-C-G. GRCh37 (hg19) VCF-style: chrX-153599550-C-G.
Other names: c.64G>C, p.Asp22His (NM_001456.4); short protein forms D22H.
Identifiers: ClinVar variation 1804479 (VCV001804479.1), dbSNP rs782199446, ClinGen allele CA10561467.